The following is an entry in ClinVar:

NM_000548.5(TSC2):c.168T>C (p.Asn56=)

Gene: TSC2 (TSC complex subunit 2; plus strand). Cytogenetic location: 16p13.3.
Variant type: single nucleotide variant.
Coding change: c.168T>C on transcript NM_000548.5 (MANE Select); coding-DNA position 168, T replaced by C.
Protein change: p.Asn56=; no amino-acid change (asparagine 56 retained).
Molecular consequence: synonymous variant. On other transcripts: 5 prime UTR variant (20), non-coding transcript variant (5).
Genome position (GRCh38, 1-based): chr16:2,050,429, T>C. VCF-style: chr16-2050429-T-C. GRCh37 (hg19) VCF-style: chr16-2100430-T-C.
Other names: c.168T>C, p.Asn56= (NM_001077183.3, NM_001114382.3, NM_001318827.2 and 13 more transcripts); c.21T>C, p.Asn7= (NM_001318829.2, NM_001406675.1, NM_001406676.1 and 2 more transcripts); c.-59T>C (NM_001318831.2, NM_001406682.1, NM_001406684.1 and 3 more transcripts); c.201T>C, p.Asn67= (NM_001318832.2); c.-649T>C (NM_001406680.1, NM_001406683.1, NM_001406687.1); c.-278T>C (NM_001406681.1); c.-1264T>C (NM_001406689.1, NM_001406690.1, NM_001406691.1 and 2 more transcripts); c.-1570T>C (NM_001406693.1); and 3 more.
Identifiers: ClinVar variation 4071259 (VCV004071259.1).

ClinVar aggregate classification (germline): Benign (1 of 4 stars; one submission).

Conditions:
Tuberous sclerosis 2 (TSC2). Identifiers: Orphanet 805, MedGen C1860707, MONDO:0013199, OMIM 613254.

Submission:

Myriad Genetics, Inc.
Classification: Benign for Tuberous sclerosis 2. Last evaluated: 2025-05-02. Review status: criteria provided, single submitter. Criteria: Myriad Autosomal Dominant, Autosomal Recessive and X-Linked Classification Criteria (2023). Collection method: clinical testing. Allele origin: unknown.
Comment: This variant is considered benign. This variant is a silent/synonymous amino acid change and it is not expected to impact splicing.